The following is an entry in ClinVar:

NM_021784.5(FOXA2):c.947del (p.Pro316fs)

Gene: FOXA2 (forkhead box A2; minus strand). Cytogenetic location: 20p11.21.
Variant type: Deletion.
Coding change: c.947del on transcript NM_021784.5 (MANE Select); coding-DNA position 947, one base deleted (C; older notation c.947delC).
Protein change: p.Pro316fs; shifts the reading frame from proline 316.
Molecular consequence: frameshift variant.
Genome position (GRCh38, 1-based): chr20:22,582,295, G deleted on the plus strand (C on the coding strand, the reverse complement: FOXA2 is on the minus strand); the first of 4 consecutive G bases (chr20:22,582,295-22,582,298); deleting any one gives the same sequence. VCF-style (leftmost placement, unchanged base first): chr20-22582294-CG-C. GRCh37 (hg19) VCF-style: chr20-22562932-CG-C.
Other names: c.929del, p.Pro310fs (NM_153675.3); short protein forms P310fs, P316fs.
Identifiers: ClinVar variation 4056898 (VCV004056898.1).

ClinVar aggregate classification (germline): Uncertain significance (1 of 4 stars; one submission).

Submission:

GeneDx
Classification: Uncertain significance. Last evaluated: 2025-01-08. Review status: criteria provided, single submitter. Criteria: GeneDx Variant Classification Process June 2021. Collection method: clinical testing. Allele origin: germline. Affected: yes.
Comment: Not observed at significant frequency in large population cohorts (gnomAD); Frameshift variant predicted to result in abnormal protein length as the last 148 amino acid(s) are replaced with 12 different amino acid(s); Has not been previously published as pathogenic or benign to our knowledge